The following is an entry in ClinVar:

NM_001365103.2(ERFL):c.866G>A (p.Arg289His)

Genes: ARHGEF1 (Rho guanine nucleotide exchange factor 1; plus strand), ERFL (ETS repressor factor like; minus strand). Cytogenetic location: 19q13.2.
Variant type: single nucleotide variant.
Coding change: c.866G>A on transcript NM_001365103.2 (MANE Select); coding-DNA position 866, G replaced by A.
Protein change: p.Arg289His; replaces arginine 289 with histidine.
Molecular consequence: missense variant. On other transcripts: intron variant (2).
Genome position (GRCh38, 1-based): chr19:41,908,427, C>T on the plus strand (G>A on the coding strand, the complement: ERFL is on the minus strand). VCF-style: chr19-41908427-C-T. GRCh37 (hg19) VCF-style: chr19-42412579-C-T.
Other names: c.2592+1624C>T (NM_001396003.1); c.2493+1624C>T (NM_001396002.1); short protein forms R289H.
Identifiers: ClinVar variation 3341602 (VCV003341602.15).

ClinVar aggregate classification (germline): Benign (1 of 4 stars; one submission).

gnomAD v4.1: 16,553 of 1,231,180 alleles (1.3%); highest among the groups gnomAD compares: Non-Finnish European, 1.5%; 154 homozygotes.

Submission:

CeGaT Center for Human Genetics Tuebingen
Classification: Benign. Last evaluated: 2026-08-01. Review status: criteria provided, single submitter. Criteria: CeGaT Center For Human Genetics Tuebingen Variant Classification Criteria Version 2. Collection method: clinical testing. Allele origin: germline. Affected: yes. Observed: 7 variant alleles.
Comment: ERFL: BS1, BS2